The following is an entry in ClinVar:

NM_001163435.3(TBCK):c.1532G>A (p.Arg511His)

Gene: TBCK (TBC1 domain containing kinase; minus strand). Cytogenetic location: 4q24.
Variant type: single nucleotide variant.
Coding change: c.1532G>A on transcript NM_001163435.3 (MANE Select); coding-DNA position 1532, G replaced by A.
Protein change: p.Arg511His; replaces arginine 511 with histidine.
Molecular consequence: missense variant.
Genome position (GRCh38, 1-based): chr4:106,233,045, C>T on the plus strand (G>A on the coding strand, the complement: TBCK is on the minus strand). VCF-style: chr4-106233045-C-T. GRCh37 (hg19) VCF-style: chr4-107154202-C-T.
Other names: NM_001163435.3(TBCK):c.1532G>A; p.Arg511His; c.1532G>A, p.Arg511His (NM_001163436.4); c.1415G>A, p.Arg472His (NM_001163437.3); c.1016G>A, p.Arg339His (NM_001290768.2); c.1343G>A, p.Arg448His (NM_033115.5); short protein forms R511H, R339H, R448H, R472H.
Identifiers: ClinVar variation 225237 (VCV000225237.3), dbSNP rs869320711, ClinGen allele CA358889.

ClinVar aggregate classification (germline): Uncertain significance. Review status: criteria provided, single submitter (1 of 4 stars). 3 submissions from 3 submitters: Uncertain significance (1). 2 of the submissions do not count toward it. Last evaluated 2025-01-13.

Conditions:
Hypotonia, infantile, with psychomotor retardation and characteristic facies 3 (IHPRF3). Also called: TBCK-Related Neurodevelopmental Disorder. Identifiers: Orphanet 488632, MedGen C5567480, MONDO:0014823, OMIM 616900.
Syndromic Infantile Encephalopathy.

Allele frequency attached by ClinVar (database versions not stated): gnomAD exomes below 0.00001; TOPMed 0.00001.
gnomAD v4.1: 1 of 1,610,944 alleles (0.000062%); highest among the groups gnomAD compares: South Asian, 0.0011%; no homozygotes.

Submissions (3):

Broad Center for Mendelian Genomics, Broad Institute of MIT and Harvard
Classification: Uncertain significance for Hypotonia, infantile, with psychomotor retardation and characteristic facies 3. Last evaluated: 2025-01-13. Review status: criteria provided, single submitter. Criteria: ACMG Guidelines, 2015. Collection method: curation. Allele origin: germline. Inheritance: Autosomal recessive inheritance.
Comment: The p.Arg511His variant in TBCK has been reported, in the homozygous state, in one individual with TBCK-related intellectual disability syndrome (PMID: 27040692), and has been identified in 0.001% (1/90828) of South Asian chromosomes by the Genome Aggregation Database (gnomAD; dbSNP ID: rs869320711). Although this variant has been seen in the general population in a heterozygous state, its frequency is low enough to be consistent with a recessive carrier frequency. This variant has also been reported in ClinVar (Variation ID: 225237) and has been interpreted as likely pathogenic/pathogenic by University of Washington Center for Mendelian Genomics (University of Washington) and OMIM. Computational prediction tools and conservation analyses suggest that this variant may impact the protein, though this information is not predictive enough to determine pathogenicity. The p.Arg511His variant is located in a region of TBCK that is essential to protein folding and stability, suggesting that this variant is in a functional domain and slightly supports pathogenicity (PMID: 27040692). In summary, while there is some suspicion for a pathogenic role, the clinical significance of this variant is uncertain. ACMG/AMP Criteria applied: PP3, PM1_supporting, PM2_supporting, PM3_supporting (Richards 2015).

OMIM
Classification: Pathogenic for HYPOTONIA, INFANTILE, WITH PSYCHOMOTOR RETARDATION AND CHARACTERISTIC FACIES 3. Last evaluated: 2016-05-19. Review status: no assertion criteria provided. Collection method: literature only. Allele origin: germline. Not counted in ClinVar's aggregate classification.

University of Washington Center for Mendelian Genomics, University of Washington
Classification: Likely pathogenic for Syndromic Infantile Encephalopathy. Last evaluated: 2016-04-07. Review status: no assertion criteria provided. Collection method: research. Allele origin: unknown. Affected: yes. Observed: 1 heterozygote. Not counted in ClinVar's aggregate classification.

Literature cited by the submitters: PubMed 27040692 (cited by 3 submitters).